The following is an entry in ClinVar:

NM_000168.6(GLI3):c.1928G>A (p.Arg643Gln)

Gene: GLI3 (GLI family zinc finger 3; minus strand). Cytogenetic location: 7p14.1.
Variant type: single nucleotide variant.
Coding change: c.1928G>A on transcript NM_000168.6 (MANE Select); coding-DNA position 1928, G replaced by A.
Protein change: p.Arg643Gln; replaces arginine 643 with glutamine.
Molecular consequence: missense variant.
Genome position (GRCh38, 1-based): chr7:41,972,512, C>T on the plus strand (G>A on the coding strand, the complement: GLI3 is on the minus strand). VCF-style: chr7-41972512-C-T. GRCh37 (hg19) VCF-style: chr7-42012111-C-T.
Other names: short protein forms R643Q.
Identifiers: ClinVar variation 4881266 (VCV004881266.2).
Genomic context (GRCh38, chr7:41,972,512, plus strand): 5'-CTGGACTGTGAATGGCTGCCGGAATCTCTCGGGGGTGGCGGCCGAGGATGGATGTCCCCT[C>T]GCTGCTTCTTGGTGACATGAGCCTCTGGGCCATGCACTGTCTTCACATGTTTCCGGAGGG-3'
Protein context (NP_000159.3, residues 633-653): GPEAHVTKKQ[Arg643Gln]GDIHPRPPPP

ClinVar aggregate classification (germline): Uncertain significance (1 of 4 stars; one submission).

gnomAD v4.1: 6 of 1,613,352 alleles (0.00037%); highest among the groups gnomAD compares: South Asian, 0.0033%; no homozygotes.

Submission:

Dasa
Classification: Uncertain significance. Last evaluated: 2026-04-22. Review status: criteria provided, single submitter. Criteria: DASA Assertion Criteria. Collection method: clinical testing. Allele origin: germline.
Comment: NM_000168.6(GLI3):c.1928G>A (p.Arg643Gln) is a missense variant that results in the substitution of arginine with glutamine. This variant is rare in population databases. The currently available literature and clinical evidence are not sufficient to establish a definitive association between this variant and the reported condition. Therefore, this variant is classified as a variant of uncertain significance.